The following is an entry in ClinVar:

NR_001564.3(XIST):n.12158G>A

Genes: TSIX (TSIX transcript, XIST antisense RNA; plus strand), XIST (X inactive specific transcript; minus strand). Cytogenetic location: Xq13.2.
Variant type: single nucleotide variant.
Molecular consequence: non-coding transcript variant (on NR_003255.2).
Genome position: GRCh38 VCF-style: chrX-73827734-C-T. GRCh37 (hg19) VCF-style: chrX-73047569-C-T.
Identifiers: ClinVar variation 3039573 (VCV003039573.2), dbSNP rs73486505, ClinGen allele CA10452477.

ClinVar aggregate classification (germline): Benign (0 of 4 stars; one submission).

Conditions:
XIST-related disorder. Also called: XIST-related condition.

Allele frequency attached by ClinVar (database versions not stated): gnomAD exomes 0.00790; ExAC 0.02144; gnomAD 0.04446; ESP Exome Variant Server 0.04689; 1000 Genomes Project 0.05086; TOPMed 0.05088; 1000 Genomes Project 30x 0.05598.
gnomAD v4.1: 8,478 of 546,311 alleles (1.6%); highest among the groups gnomAD compares: African/African-American, 15%; 387 homozygotes.

Submission:

PreventionGenetics, part of Exact Sciences
Classification: Benign for XIST-related condition. Last evaluated: 2020-01-20. Review status: no assertion criteria provided. Collection method: clinical testing. Allele origin: germline.
Comment: This variant is classified as benign based on ACMG/AMP sequence variant interpretation guidelines (Richards et al. 2015 PMID: 25741868, with internal and published modifications).